The following is an entry in ClinVar:

ClinVar aggregate classification (germline): Likely pathogenic (1 of 4 stars; one submission).

Conditions:
Osteogenesis imperfecta type 7 (OI7). Also called: OSTEOGENESIS IMPERFECTA, TYPE IIB; Osteogenesis imperfecta type 2B; OI type 2B; Osteogenesis imperfecta, perinatal lethal autosomal recessive; OI type IIB; OI type 7. Identifiers: MedGen C1853162, MONDO:0012536, OMIM 610682.

Submission:

Labcorp Genetics (formerly Invitae), Labcorp
Classification: Likely pathogenic for Osteogenesis imperfecta type 7. Last evaluated: 2025-01-06. Review status: criteria provided, single submitter. Criteria: Invitae Variant Classification Sherloc (09022015). Collection method: clinical testing. Allele origin: germline.
Comment: This sequence change affects a donor splice site in intron 5 of the CRTAP gene. It is expected to disrupt RNA splicing. Variants that disrupt the donor or acceptor splice site typically lead to a loss of protein function (PMID: 16199547), and loss-of-function variants in CRTAP are known to be pathogenic (PMID: 17055431, 19862557, 24715559). This variant is not present in population databases (gnomAD no frequency). This variant has not been reported in the literature in individuals affected with CRTAP-related conditions. Algorithms developed to predict the effect of sequence changes on RNA splicing suggest that this variant may disrupt the consensus splice site. In summary, the currently available evidence indicates that the variant is pathogenic, but additional data are needed to prove that conclusively. Therefore, this variant has been classified as Likely Pathogenic.

Literature cited by the submitters: PubMed 16199547; PubMed 17055431; PubMed 19862557; PubMed 24715559.

NM_006371.5(CRTAP):c.1068+1G>T

Gene: CRTAP (cartilage associated protein; plus strand). Cytogenetic location: 3p22.3.
Variant type: single nucleotide variant.
Coding change: c.1068+1G>T on transcript NM_006371.5 (MANE Select); the canonical splice donor site of the intron after coding-DNA position 1068, G replaced by T.
Molecular consequence: splice donor variant.
Genome position (GRCh38, 1-based): chr3:33,132,701, G>T. VCF-style: chr3-33132701-G-T. GRCh37 (hg19) VCF-style: chr3-33174193-G-T.
Other names: c.1068+1G>T (NM_001393363.1); c.939+1G>T (NM_001393364.1); c.918+1G>T (NM_001393365.1).
Identifiers: ClinVar variation 3726237 (VCV003726237.2).